The following is an entry in ClinVar:

ClinVar aggregate classification (germline): Conflicting classifications of pathogenicity. Review status: criteria provided, conflicting classifications (1 of 4 stars). 3 submissions from 3 submitters: Uncertain significance (1); Likely benign (1). 1 of the submissions does not count toward it. Last evaluated 2025-05-26.

Conditions:
Dystrophin deficiency.
Cardiovascular phenotype. Identifiers: MedGen CN230736.
Duchenne muscular dystrophy (DMD). Also called: Duchenne Muscular Dystrophy (DMD); MUSCULAR DYSTROPHY, PSEUDOHYPERTROPHIC PROGRESSIVE, DUCHENNE TYPE. Identifiers: Orphanet 98896, MedGen C0013264, MONDO:0010679, OMIM 310200.

Allele frequency attached by ClinVar (database versions not stated): gnomAD 0.00001.

Submissions (3):

Ambry Genetics
Classification: Likely benign for Cardiovascular phenotype. Last evaluated: 2025-05-26. Review status: criteria provided, single submitter. Criteria: Ambry Variant Classification Scheme 2023. Collection method: clinical testing. Allele origin: germline.

Labcorp Genetics (formerly Invitae), Labcorp
Classification: Uncertain significance for Duchenne muscular dystrophy. Last evaluated: 2023-08-10. Review status: criteria provided, single submitter. Criteria: Invitae Variant Classification Sherloc (09022015). Collection method: clinical testing. Allele origin: germline.
Comment: Advanced modeling of protein sequence and biophysical properties (such as structural, functional, and spatial information, amino acid conservation, physicochemical variation, residue mobility, and thermodynamic stability) performed at Invitae indicates that this missense variant is not expected to disrupt DMD protein function. In summary, the available evidence is currently insufficient to determine the role of this variant in disease. Therefore, it has been classified as a Variant of Uncertain Significance. ClinVar contains an entry for this variant (Variation ID: 569091). This variant has not been reported in the literature in individuals affected with DMD-related conditions. This variant is not present in population databases (gnomAD no frequency). This sequence change replaces tyrosine, which is neutral and polar, with phenylalanine, which is neutral and non-polar, at codon 2144 of the DMD protein (p.Tyr2144Phe).

Natera, Inc.
Classification: Uncertain significance for Dystrophin deficiency. Last evaluated: 2020-09-16. Review status: no assertion criteria provided. Collection method: clinical testing. Allele origin: germline. Not counted in ClinVar's aggregate classification.

NM_004006.3(DMD):c.6431A>T (p.Tyr2144Phe)

Gene: DMD (dystrophin; minus strand). Cytogenetic location: Xp21.1.
Variant type: single nucleotide variant.
Coding change: c.6431A>T on transcript NM_004006.3 (MANE Select); coding-DNA position 6431, A replaced by T.
Protein change: p.Tyr2144Phe; replaces tyrosine 2144 with phenylalanine.
Molecular consequence: missense variant.
Genome position (GRCh38, 1-based): chrX:32,216,923, T>A on the plus strand (A>T on the coding strand, the complement: DMD is on the minus strand). VCF-style: chrX-32216923-T-A. GRCh37 (hg19) VCF-style: chrX-32235040-T-A.
Other names: c.6407A>T, p.Tyr2136Phe (NM_000109.4); c.6419A>T, p.Tyr2140Phe (NM_004009.3); c.6062A>T, p.Tyr2021Phe (NM_004010.3); c.2408A>T, p.Tyr803Phe (NM_004011.4); c.2399A>T, p.Tyr800Phe (NM_004012.4); short protein forms Y2144F, Y2140F, Y800F, Y803F, Y2021F, Y2136F.
Identifiers: ClinVar variation 569091 (VCV000569091.11), dbSNP rs1569551376, ClinGen allele CA412660474.
Genomic context (GRCh38, chrX:32,216,923, plus strand): 5'-TCCAGATGTGCTGAAGATAAATACAATTTCGAAAAAACAAATCAAAGACTTACCTTAAGA[T>A]ACCATTTGTATTTAGCATGTTCCCAATTCTCAGGAATTTGTGTCTTTCTGAGAAACTGTT-3'
Protein context (NP_003997.2, residues 2134-2154): ENWEHAKYKW[Tyr2144Phe]LKELQDGIGQ